The following is an entry in ClinVar:

ClinVar aggregate classification (germline): Uncertain significance (1 of 4 stars; one submission).

Submission:

GeneDx
Classification: Uncertain significance. Last evaluated: 2024-08-22. Review status: criteria provided, single submitter. Criteria: GeneDx Variant Classification Process June 2021. Collection method: clinical testing. Allele origin: germline. Affected: yes.
Comment: Not observed at significant frequency in large population cohorts (gnomAD); In silico analysis supports that this missense variant has a deleterious effect on protein structure/function; Has not been previously published as pathogenic or benign to our knowledge

NM_005689.4(ABCB6):c.2003T>G (p.Val668Gly)

Gene: ABCB6 (ATP binding cassette subfamily B member 6 (LAN blood group); minus strand). Cytogenetic location: 2q35.
Variant type: single nucleotide variant.
Coding change: c.2003T>G on transcript NM_005689.4 (MANE Select); coding-DNA position 2003, T replaced by G.
Protein change: p.Val668Gly; replaces valine 668 with glycine.
Molecular consequence: missense variant.
Genome position (GRCh38, 1-based): chr2:219,211,074, A>C on the plus strand (T>G on the coding strand, the complement: ABCB6 is on the minus strand). VCF-style: chr2-219211074-A-C. GRCh37 (hg19) VCF-style: chr2-220075796-A-C.
Other names: c.1865T>G, p.Val622Gly (NM_001349828.2); short protein forms V622G, V668G.
Identifiers: ClinVar variation 3764335 (VCV003764335.1).
Genomic context (GRCh38, chr2:219,211,074, plus strand): 5'-CGGCCGTAACGGATATTGTCGGCGATGGTGTCATTAAAGAGGACAGTGTCTTGGGGCACA[A>C]CTCCAATGTGAGACCGGAGAGAGGCCTGGGTCACCTAGGGCCAAAAGACCACACACTCTG-3'
Protein context (NP_005680.1, residues 658-678): TQASLRSHIG[Val668Gly]VPQDTVLFND